The following is an entry in ClinVar:

NM_003721.4(RFXANK):c.194_198del (p.Ser65fs)

Gene: RFXANK (regulatory factor X associated ankyrin containing protein; plus strand). Cytogenetic location: 19p13.11.
Variant type: Deletion.
Coding change: c.194_198del on transcript NM_003721.4 (MANE Select); coding-DNA positions 194 to 198, 5 bases deleted (GCTCC; older notation c.194_198delGCTCC).
Protein change: p.Ser65fs; shifts the reading frame from serine 65.
Molecular consequence: frameshift variant.
Genome position (GRCh38, 1-based): chr19:19,196,969-19,196,973, GCTCC deleted. VCF-style (leftmost placement, unchanged base first): chr19-19196968-AGCTCC-A. GRCh37 (hg19) VCF-style: chr19-19307777-AGCTCC-A.
Other names: c.194_198del, p.Ser65fs (NM_001278727.2, NM_001370233.1, NM_001370234.1 and 1 more transcripts); c.191_195del, p.Ser64fs (NM_001278728.2, NM_001370235.1, NM_001370236.1 and 2 more transcripts); short protein forms S64fs, S65fs.
Identifiers: ClinVar variation 2634018 (VCV002634018.1), dbSNP rs2512813276, ClinGen allele CA2695198161.

ClinVar aggregate classification (germline): Likely pathogenic (1 of 4 stars; one submission).

Conditions:
RFXANK-related disorder. Also called: RFXANK-related condition.

Submission:

PreventionGenetics, part of Exact Sciences
Classification: Likely pathogenic for RFXANK-related condition. Last evaluated: 2023-09-29. Review status: criteria provided, single submitter. Criteria: ACMG Guidelines, 2015. Collection method: clinical testing. Allele origin: germline.
Comment: The RFXANK c.194_198del5 variant is predicted to result in a frameshift and premature protein termination (p.Ser65Thrfs*48). To our knowledge, this variant has not been reported in the literature or in a large population database, indicating this variant is rare. Frameshift variants in RFXANK are expected to be pathogenic. This variant is interpreted as likely pathogenic.